The following is an entry in ClinVar:

ClinVar aggregate classification (germline): Conflicting classifications of pathogenicity. Review status: criteria provided, conflicting classifications (1 of 4 stars). 7 submissions from 7 submitters: Uncertain significance (1); Likely benign (6). Last evaluated 2025-12-03.

Conditions:
Cardiovascular phenotype. Identifiers: MedGen CN230736.
Arrhythmogenic right ventricular cardiomyopathy (ARVD). Also called: Arrhythmogenic cardiomyopathy; Arrhythmogenic Right Ventricular Cardiomyopathy (ARVC); Cardiomyopathy, ARVC; Arrhythmogenic right ventricular dysplasia. Identifiers: Orphanet 247, MedGen C0349788, MeSH D019571, MONDO:0016587. Disease mechanism: loss of function. Inheritance: Various modes of inheritance.
Cardiomyopathy (CMYO). Also called: Cardiomyopathies. Identifiers: Orphanet 167848, MedGen C0878544, MONDO:0004994, HP:0001638. Inheritance: Various modes of inheritance.
Arrhythmogenic right ventricular dysplasia 10. Also called: ARRHYTHMOGENIC RIGHT VENTRICULAR DYSPLASIA, FAMILIAL, 10; Arrhythmogenic Right Ventricular Dysplasia/Cardiomyopathy10; Arrhythmogenic right ventricular dysplasia/cardiomyopathy, type 10. Identifiers: MedGen C1857777, MONDO:0012434, OMIM 610193.

Allele frequency attached by ClinVar (database versions not stated): ExAC 0.00002; gnomAD exomes 0.00002; gnomAD 0.00008 and 0.00009; 1000 Genomes Project 30x 0.00016; TOPMed 0.00017; 1000 Genomes Project 0.00020.
gnomAD v4.1: 50 of 1,614,096 alleles (0.0031%); highest among the groups gnomAD compares: Admixed American, 0.02%; no homozygotes.

Submissions (7):

Labcorp Genetics (formerly Invitae), Labcorp
Classification: Likely benign for Arrhythmogenic right ventricular dysplasia 10. Last evaluated: 2025-12-03. Review status: criteria provided, single submitter. Criteria: Invitae Variant Classification Sherloc (09022015). Collection method: clinical testing. Allele origin: germline.

All of Us Research Program, National Institutes of Health
Classification: Likely benign for Arrhythmogenic right ventricular cardiomyopathy. Last evaluated: 2023-10-27. Review status: criteria provided, single submitter. Criteria: ACMG Guidelines, 2015. Collection method: clinical testing. Allele origin: germline. Inheritance: Autosomal dominant inheritance. Observed: 12 variant alleles, 12 heterozygotes.
Comment: This study involves interpretation of variants in research participants for the purpose of population health screening. Participant phenotype was not available at the time of variant classification. Additional details can be found in publication PMID: 35346344, PMCID: PMC8962531

Women's Health and Genetics/Laboratory Corporation of America, LabCorp
Classification: Likely benign. Last evaluated: 2022-08-06. Review status: criteria provided, single submitter. Criteria: LabCorp Variant Classification Summary - May 2015. Collection method: clinical testing. Allele origin: germline.

Ambry Genetics
Classification: Likely benign for Cardiovascular phenotype. Last evaluated: 2020-10-06. Review status: criteria provided, single submitter. Criteria: Ambry Variant Classification Scheme 2023. Collection method: clinical testing. Allele origin: germline.

Color Diagnostics, LLC DBA Color Health
Classification: Likely benign for Cardiomyopathy. Last evaluated: 2019-07-02. Review status: criteria provided, single submitter. Criteria: ACMG Guidelines, 2015. Collection method: clinical testing. Allele origin: germline.

Illumina Laboratory Services, Illumina
Classification: Uncertain significance for Arrhythmogenic right ventricular dysplasia 10. Last evaluated: 2018-01-13. Review status: criteria provided, single submitter. Criteria: ICSL Variant Classification Criteria 13 December 2019. Collection method: clinical testing. Allele origin: germline.

GeneDx
Classification: Likely benign. Last evaluated: 2016-12-15. Review status: criteria provided, single submitter. Criteria: GeneDx Variant Classification (06012015). Collection method: clinical testing. Allele origin: germline. Affected: yes.
Comment: This variant is considered likely benign or benign based on one or more of the following criteria: it is a conservative change, it occurs at a poorly conserved position in the protein, it is predicted to be benign by multiple in silico algorithms, and/or has population frequency not consistent with disease.

NM_001943.5(DSG2):c.147C>T (p.Arg49=)

Gene: DSG2 (desmoglein 2; plus strand). Cytogenetic location: 18q12.1.
Variant type: single nucleotide variant.
Coding change: c.147C>T on transcript NM_001943.5 (MANE Select); coding-DNA position 147, C replaced by T.
Protein change: p.Arg49=; no amino-acid change (arginine 49 retained).
Molecular consequence: synonymous variant.
Genome position (GRCh38, 1-based): chr18:31,519,868, C>T. VCF-style: chr18-31519868-C-T. GRCh37 (hg19) VCF-style: chr18-29099831-C-T.
Other names: c.147C>T (LRG_397t1).
Identifiers: ClinVar variation 326472 (VCV000326472.21), dbSNP rs531036279, ClinGen allele CA042588.
Genomic context (GRCh38, chr18:31,519,868, plus strand): 5'-AAGCACAAGAAATGAAAATAAGCTGCTTCCTAAACATCCTCATTTAGTGCGGCAAAAGCG[C>T]GCCTGGATCACCGCCCCCGTGGCTCTTCGGGAGGGAGAGGATCTGTCCAAGAAGAATCCA-3'
Protein context (NP_001934.2, residues 39-59): PKHPHLVRQK[Arg49=]AWITAPVALR